The following is an entry in ClinVar:

NM_003883.4(HDAC3):c.798_799delinsTT (p.Leu266_Gly267delinsPheCys)

Gene: HDAC3 (histone deacetylase 3; minus strand). Cytogenetic location: 5q31.3.
Variant type: Indel.
Coding change: c.798_799delinsTT on transcript NM_003883.4 (MANE Select); coding-DNA positions 798 to 799, GG replaced by TT.
Protein change: p.Leu266_Gly267delinsPheCys.
Molecular consequence: missense variant. On other transcripts: non-coding transcript variant (6).
Genome position (GRCh38, 1-based): chr5:141,627,924-141,627,925, CC replaced by AA on the plus strand (GG replaced by TT on the coding strand, the reverse complement: HDAC3 is on the minus strand). VCF-style: chr5-141627924-CC-AA. GRCh37 (hg19) VCF-style: chr5-141007491-CC-AA.
Other names: c.798_799delinsTT, p.Leu266_Gly267delinsPheCys (NM_001355039.2); c.339_340delinsTT, p.Leu113_Gly114delinsPheCys (NM_001355040.2); c.237_238delinsTT, p.Leu79_Gly80delinsPheCys (NM_001355041.2).
Identifiers: ClinVar variation 4085986 (VCV004085986.8).

ClinVar aggregate classification (germline): Uncertain significance (1 of 4 stars; one submission).

Submission:

CeGaT Center for Human Genetics Tuebingen
Classification: Uncertain significance. Last evaluated: 2025-06-01. Review status: criteria provided, single submitter. Criteria: CeGaT Center For Human Genetics Tuebingen Variant Classification Criteria Version 2. Collection method: clinical testing. Allele origin: germline. Affected: yes. Observed: 1 variant allele.
Comment: HDAC3: PM2, PM5:Supporting, PP2, PP3